The following is an entry in ClinVar:

NM_024408.4(NOTCH2):c.5103A>G (p.Lys1701=)

Gene: NOTCH2 (notch receptor 2; minus strand). Cytogenetic location: 1p12.
Variant type: single nucleotide variant.
Coding change: c.5103A>G on transcript NM_024408.4 (MANE Select); coding-DNA position 5103, A replaced by G.
Protein change: p.Lys1701=; no amino-acid change (lysine 1701 retained).
Molecular consequence: synonymous variant.
Genome position (GRCh38, 1-based): chr1:119,922,346, T>C on the plus strand (A>G on the coding strand, the complement: NOTCH2 is on the minus strand). VCF-style: chr1-119922346-T-C. GRCh37 (hg19) VCF-style: chr1-120464969-T-C.
Identifiers: ClinVar variation 497612 (VCV000497612.37), dbSNP rs201233415, ClinGen allele CA1039719.

ClinVar aggregate classification (germline): Conflicting classifications of pathogenicity. Review status: criteria provided, conflicting classifications (1 of 4 stars). 5 submissions from 5 submitters: Uncertain significance (1); Benign (1); Likely benign (3). Last evaluated 2026-02-02.

Conditions:
Inborn genetic diseases. Identifiers: MedGen C0950123, MeSH D030342.
Hajdu-Cheney syndrome (HJCYS). Also called: Acroosteolysis dominant type; SERPENTINE FIBULA-POLYCYSTIC KIDNEY SYNDROME; ACROOSTEOLYSIS WITH OSTEOPOROSIS AND CHANGES IN SKULL AND MANDIBLE. Identifiers: Orphanet 955, MedGen C0917715, MONDO:0007057, OMIM 102500.

Allele frequency attached by ClinVar (database versions not stated): gnomAD 0.00023 and 0.00026; TOPMed 0.00025; ExAC 0.00031; ESP Exome Variant Server 0.00031; gnomAD exomes 0.00035; 1000 Genomes Project 0.00060; 1000 Genomes Project 30x 0.00062.
gnomAD v4.1: 482 of 1,614,038 alleles (0.03%); highest among the groups gnomAD compares: Middle Eastern, 0.2%; no homozygotes.

Submissions (5):

Labcorp Genetics (formerly Invitae), Labcorp
Classification: Benign for Hajdu-Cheney syndrome. Last evaluated: 2026-02-02. Review status: criteria provided, single submitter. Criteria: Invitae Variant Classification Sherloc (09022015). Collection method: clinical testing. Allele origin: germline.

Ambry Genetics
Classification: Likely benign for Inborn genetic diseases. Last evaluated: 2025-08-20. Review status: criteria provided, single submitter. Criteria: Ambry Variant Classification Scheme 2023. Collection method: clinical testing. Allele origin: germline.

Blueprint Genetics
Classification: Likely benign. Last evaluated: 2024-11-06. Review status: criteria provided, single submitter. Criteria: ACMG Guidelines, 2015. Collection method: clinical testing. Allele origin: germline.

CeGaT Center for Human Genetics Tuebingen
Classification: Likely benign. Last evaluated: 2024-11-01. Review status: criteria provided, single submitter. Criteria: CeGaT Center For Human Genetics Tuebingen Variant Classification Criteria Version 2. Collection method: clinical testing. Allele origin: germline. Affected: yes. Observed: 2 variant alleles.
Comment: NOTCH2: BP4, BP7

Eurofins Ntd Llc (ga)
Classification: Uncertain significance. Last evaluated: 2017-12-21. Review status: criteria provided, single submitter. Criteria: EGL Classification Definitions 2015. Collection method: clinical testing. Allele origin: germline. Observed: 2 variant alleles, 2 heterozygotes.